The following is an entry in ClinVar:

ClinVar aggregate classification (germline): Uncertain significance (1 of 4 stars; one submission).

Conditions:
Mucopolysaccharidosis, MPS-III-A (MPS3A). Also called: HEPARAN SULFATE SULFATASE DEFICIENCY; SANFILIPPO SYNDROME A; SULFAMIDASE DEFICIENCY; MUCOPOLYSACCHARIDOSIS, TYPE IIIA, ATTENUATED; Mucopolysaccharidosis, type IIIA; mucopolysaccharidosis type 3A. Identifiers: Orphanet 581, Orphanet 79269, MedGen C0086647, MONDO:0009655, OMIM 252900.

Submission:

Labcorp Genetics (formerly Invitae), Labcorp
Classification: Uncertain significance for Mucopolysaccharidosis, MPS-III-A. Last evaluated: 2022-11-01. Review status: criteria provided, single submitter. Criteria: Invitae Variant Classification Sherloc (09022015). Collection method: clinical testing. Allele origin: germline.
Comment: This variant results in a copy number gain of the genomic region encompassing exon(s) 1-4 of the SGSH gene. This region includes the initiator codon of the gene. This copy number gain extends beyond the assayed region for this gene and therefore may encompass additional genes. As the precise location of this event is unknown, it may be in tandem or it may be located elsewhere in the genome. This variant has not been reported in the literature in individuals affected with SGSH-related conditions. Experimental studies and prediction algorithms are not available or were not evaluated, and the functional significance of this variant is currently unknown. In summary, the available evidence is currently insufficient to determine the role of this variant in disease. Therefore, it has been classified as a Variant of Uncertain Significance.

NC_000017.10:g.(?_78188394)_(78194112_?)dup

Gene: SGSH (N-sulfoglucosamine sulfohydrolase; minus strand). Cytogenetic location: 17q25.3.
Variant type: Duplication.
Identifiers: ClinVar variation 2422575 (VCV002422575.3).